The following is an entry in ClinVar:

ClinVar aggregate classification (germline): Uncertain significance (1 of 4 stars; one submission).

gnomAD v4.1: 2 of 1,614,154 alleles (0.00012%); highest among the groups gnomAD compares: Admixed American, 0.0033%; no homozygotes.

Submission:

Labcorp Genetics (formerly Invitae), Labcorp
Classification: Uncertain significance. Last evaluated: 2025-05-19. Review status: criteria provided, single submitter. Criteria: Invitae Variant Classification Sherloc (09022015). Collection method: clinical testing. Allele origin: germline.
Comment: This sequence change replaces methionine, which is neutral and non-polar, with valine, which is neutral and non-polar, at codon 362 of the ABL1 protein (p.Met362Val). This variant is present in population databases (rs760914163, gnomAD 0.006%). This variant has not been reported in the literature in individuals affected with ABL1-related conditions. ClinVar contains an entry for this variant (Variation ID: 3628730). Invitae Evidence Modeling of protein sequence and biophysical properties (such as structural, functional, and spatial information, amino acid conservation, physicochemical variation, residue mobility, and thermodynamic stability) indicates that this missense variant is expected to disrupt ABL1 protein function with a positive predictive value of 80%. In summary, the available evidence is currently insufficient to determine the role of this variant in disease. Therefore, it has been classified as a Variant of Uncertain Significance.

NM_005157.6(ABL1):c.1027A>G (p.Met343Val)

Gene: ABL1 (ABL proto-oncogene 1, non-receptor tyrosine kinase; plus strand). Cytogenetic location: 9q34.12.
Variant type: single nucleotide variant.
Coding change: c.1027A>G on transcript NM_005157.6 (MANE Select); coding-DNA position 1027, A replaced by G.
Protein change: p.Met343Val; replaces methionine 343 with valine.
Molecular consequence: missense variant.
Genome position (GRCh38, 1-based): chr9:130,872,979, A>G. VCF-style: chr9-130872979-A-G. GRCh37 (hg19) VCF-style: chr9-133748366-A-G.
Other names: c.1084A>G, p.Met362Val (NM_007313.3); short protein forms M343V, M362V.
Identifiers: ClinVar variation 3628730 (VCV003628730.2).